The following is an entry in ClinVar:

ClinVar aggregate classification (germline): Pathogenic/Likely pathogenic. Review status: criteria provided, multiple submitters, no conflicts (2 of 4 stars). 7 submissions from 7 submitters: Pathogenic (3); Likely pathogenic (2). 2 of the submissions do not count toward it. Last evaluated 2026-01-14.

Conditions:
Hereditary cancer-predisposing syndrome. Also called: Neoplastic Syndromes, Hereditary; Tumor predisposition; Hereditary neoplastic syndrome; Hereditary Cancer Syndrome. Identifiers: Orphanet 140162, MedGen C0027672, MeSH D009386, MONDO:0015356.
Fanconi anemia (FA). Also called: Fanconi's anemia. Identifiers: Orphanet 84, MedGen C0015625, MeSH D005199, MONDO:0019391.
Fanconi anemia complementation group C (FANCC). Also called: FANCONI PANCYTOPENIA, TYPE 3; FACC; Fanconi anemia, group C; FANCC-Related Fanconi Anemia. Identifiers: Orphanet 84, MedGen C3468041, MONDO:0009213, OMIM 227645.

Allele frequency attached by ClinVar (database versions not stated): TOPMed 0.00001.

Submissions (7):

Labcorp Genetics (formerly Invitae), Labcorp
Classification: Pathogenic for Fanconi anemia. Last evaluated: 2026-01-14. Review status: criteria provided, single submitter. Criteria: Invitae Variant Classification Sherloc (09022015). Collection method: clinical testing. Allele origin: germline.
Comment: This sequence change creates a premature translational stop signal (p.Gln445*) in the FANCC gene. It is expected to result in an absent or disrupted protein product. Loss-of-function variants in FANCC are known to be pathogenic (PMID: 17924555). This variant is not present in population databases (gnomAD no frequency). This variant has not been reported in the literature in individuals affected with FANCC-related conditions. ClinVar contains an entry for this variant (Variation ID: 370186). For these reasons, this variant has been classified as Pathogenic.

Natera, Inc.
Classification: Likely pathogenic for Fanconi anemia. Last evaluated: 2025-06-11. Review status: criteria provided, single submitter. Criteria: Natera Variant Classification Schema (03/2026). Collection method: clinical testing. Allele origin: germline.
Comment: The c.1333C>T variant in FANCC is a nonsense variant predicted to introduce a stop codon at amino acid 445. This variant is expected to result in nonsense mediated decay, truncation, or a dysfunctional protein product. This variant is rare in the general population with a frequency below the threshold expected for the associated phenotype(s). Given the available evidence, this variant is classified as Likely Pathogenic.

Baylor Genetics
Classification: Likely pathogenic for Fanconi anemia complementation group C. Last evaluated: 2024-01-30. Review status: criteria provided, single submitter. Criteria: ACMG Guidelines, 2015. Collection method: clinical testing. Allele origin: unknown.

Ambry Genetics
Classification: Pathogenic for Hereditary cancer-predisposing syndrome. Last evaluated: 2021-03-19. Review status: criteria provided, single submitter. Criteria: Ambry Variant Classification Scheme 2023. Collection method: clinical testing. Allele origin: germline.
Comment: The p.Q445* pathogenic mutation (also known as c.1333C>T), located in coding exon 13 of the FANCC gene, results from a C to T substitution at nucleotide position 1333. This changes the amino acid from a glutamine to a stop codon within coding exon 13. This alteration is expected to result in loss of function by premature protein truncation or nonsense-mediated mRNA decay. As such, this alteration is interpreted as a disease-causing mutation.

GeneDx
Classification: Pathogenic. Last evaluated: 2014-12-31. Review status: criteria provided, single submitter. Criteria: GeneDx Variant Classification (06012015). Collection method: clinical testing. Allele origin: germline. Affected: yes.
Comment: This pathogenic variant is denoted FANCC c.1333C>T at the cDNA level and p.Gln445Ter (Q445X) at the protein level. The substitution creates a nonsense variant, which changes a Glutamine to a premature stop codon (CAG>TAG), and is predicted to cause loss of normal protein function through either protein truncation or nonsense-mediated mRNA decay. Although this variant has not, to our knowledge, been reported in the literature, it is considered pathogenic. FANCC has been only recently described in association with cancer predisposition and the risks are not well understood. Based on available data, the presence of a FANCC mutation may confer an increased risk for female breast cancer (Thompson 2012, Berwick 2007). Berwick et al. (2007) identified 33 female FANCC mutation carriers; all grandmothers of known Fanconi Anemia patients. In this group of women the observed cases of breast cancer (n=6) was significantly higher than the expected cases of breast cancer (SIR = 2.4). Thompson et al. (2012) studied 438 BRCA-negative breast cancer families and identified 3 families with deleterious FANCC mutations. In two of these families, the identified truncating FANCC mutations were found in multiple affected family members. The authors conclude that the co-segregation of FANCC mutations in these families appears to be consistent with moderately penetrant breast cancer alleles. Fanconi Anemia (FA) is a rare autosomal recessive condition that can be caused by two mutations (one affecting each allele) in the FANCC gene. This condition is characterized by an increased risk for childhood malignancy including leukemia and solid tumors, as well as distinctive physical abnormalities and bone marrow failure. If a FANCC mutation carrier'spartner is also a carrier for a FANCC mutation, the risk to have a child with FA is 25% with each pregnancy.

Leiden Open Variation Database
Classification: Pathogenic for Fanconi anemia complementation group C. Last evaluated: 2020-02-28. Review status: no assertion criteria provided. Collection method: curation. Allele origin: germline. Affected: yes. Not counted in ClinVar's aggregate classification.
Comment: Curator: Arleen D. Auerbach. Submitter to LOVD: Arleen D. Auerbach.

Counsyl
Classification: Likely pathogenic for Fanconi anemia complementation group C. Last evaluated: 2015-12-11. Review status: no assertion criteria provided. Collection method: clinical testing. Allele origin: unknown. Not counted in ClinVar's aggregate classification.

Literature cited by the submitters: PubMed 17924555 (cited by Labcorp Genetics (formerly Invitae), Labcorp).

NM_000136.3(FANCC):c.1333C>T (p.Gln445Ter)

Genes: AOPEP (aminopeptidase O (putative); plus strand), FANCC (FA complementation group C; minus strand). Cytogenetic location: 9q22.32.
Variant type: single nucleotide variant.
Coding change: c.1333C>T on transcript NM_000136.3 (MANE Select); coding-DNA position 1333, C replaced by T.
Protein change: p.Gln445Ter; replaces glutamine 445 with a stop codon.
Molecular consequence: nonsense.
Genome position (GRCh38, 1-based): chr9:95,107,266, G>A on the plus strand (C>T on the coding strand, the complement: FANCC is on the minus strand). VCF-style: chr9-95107266-G-A. GRCh37 (hg19) VCF-style: chr9-97869548-G-A.
Other names: c.1333C>T, p.Gln445Ter (NM_001243743.2); short protein forms Q445*.
Identifiers: ClinVar variation 370186 (VCV000370186.17), dbSNP rs1057516298, ClinGen allele CA16041339.